The following is an entry in ClinVar:

NM_001277115.2(DNAH11):c.11176_11177del (p.Asn3726fs)

Gene: DNAH11 (dynein axonemal heavy chain 11; plus strand). Cytogenetic location: 7p15.3.
Variant type: Deletion.
Coding change: c.11176_11177del on transcript NM_001277115.2 (MANE Select); coding-DNA positions 11176 to 11177, 2 bases deleted (AA; older notation c.11176_11177delAA).
Protein change: p.Asn3726fs; shifts the reading frame from asparagine 3726.
Molecular consequence: frameshift variant.
Genome position (GRCh38, 1-based): chr7:21,854,429-21,854,430, AA deleted. VCF-style (leftmost placement, unchanged base first): chr7-21854428-CAA-C. GRCh37 (hg19) VCF-style: chr7-21894046-CAA-C.
Other names: c.11197_11198delAA, p.Asn3733Profs (NM_003777.3); short protein forms N3726fs.
Identifiers: ClinVar variation 2771638 (VCV002771638.3), dbSNP rs2535470506, ClinGen allele CA2697557165.

ClinVar aggregate classification (germline): Pathogenic (1 of 4 stars; one submission).

Conditions:
Primary ciliary dyskinesia. Also called: Ciliary dyskinesia. Identifiers: Orphanet 244, MedGen C0008780, MONDO:0016575, HP:0012265.

Submission:

Labcorp Genetics (formerly Invitae), Labcorp
Classification: Pathogenic for Primary ciliary dyskinesia. Last evaluated: 2023-10-24. Review status: criteria provided, single submitter. Criteria: Invitae Variant Classification Sherloc (09022015). Collection method: clinical testing. Allele origin: germline.
Comment: This sequence change creates a premature translational stop signal (p.Asn3726Profs*11) in the DNAH11 gene. It is expected to result in an absent or disrupted protein product. Loss-of-function variants in DNAH11 are known to be pathogenic (PMID: 18022865, 20513915, 22184204). This variant is not present in population databases (gnomAD no frequency). This variant has not been reported in the literature in individuals affected with DNAH11-related conditions. For these reasons, this variant has been classified as Pathogenic.

Literature cited by the submitters: PubMed 18022865; PubMed 20513915; PubMed 22184204.